The following is an entry in ClinVar:

NM_000077.5(CDKN2A):c.272T>A (p.Leu91Gln)

Gene: CDKN2A (cyclin dependent kinase inhibitor 2A; minus strand). Cytogenetic location: 9p21.3.
Variant type: single nucleotide variant.
Coding change: c.272T>A on transcript NM_000077.5; coding-DNA position 272, T replaced by A.
Protein change: p.Leu91Gln; replaces leucine 91 with glutamine.
Molecular consequence: missense variant (on NM_000077.6). On other transcripts: synonymous variant (1), 3 prime UTR variant (1).
Genome position (GRCh38, 1-based): chr9:21,971,087, A>T on the plus strand (T>A on the coding strand, the complement: CDKN2A is on the minus strand). VCF-style: chr9-21971087-A-T. GRCh37 (hg19) VCF-style: chr9-21971086-A-T.
Other names: c.272T>A, p.Leu91Gln (NM_000077.6, NM_001195132.2); c.119T>A, p.Leu40Gln (NM_001363763.2); c.315T>A, p.Pro105= (NM_058195.4); c.*195T>A (NM_058197.5); short protein forms L91Q, L40Q.
Identifiers: ClinVar variation 619829 (VCV000619829.14), dbSNP rs1563889362, ClinGen allele CA373086180.

ClinVar aggregate classification (germline): Uncertain significance. Review status: criteria provided, multiple submitters, no conflicts (2 of 4 stars). 4 submissions from 4 submitters: Uncertain significance (4). Last evaluated 2022-10-12.

Conditions:
Familial melanoma. Also called: Hereditary melanoma; Hereditary cutaneous melanoma. Identifiers: Orphanet 618, MedGen C1512419, MONDO:0018961.
Hereditary cancer-predisposing syndrome. Also called: Neoplastic Syndromes, Hereditary; Tumor predisposition; Hereditary Cancer Syndrome; Hereditary neoplastic syndrome. Identifiers: Orphanet 140162, MedGen C0027672, MeSH D009386, MONDO:0015356.

Submissions (4):

Labcorp Genetics (formerly Invitae), Labcorp
Classification: Uncertain significance for Familial melanoma. Last evaluated: 2022-10-12. Review status: criteria provided, single submitter. Criteria: Invitae Variant Classification Sherloc (09022015). Collection method: clinical testing. Allele origin: germline.
Comment: This sequence change replaces leucine, which is neutral and non-polar, with glutamine, which is neutral and polar, at codon 91 of the CDKN2A (p16INK4a) protein (p.Leu91Gln). This variant is not present in population databases (gnomAD no frequency). This variant has not been reported in the literature in individuals affected with CDKN2A (p16INK4a)-related conditions. ClinVar contains an entry for this variant (Variation ID: 619829). Algorithms developed to predict the effect of missense changes on protein structure and function (SIFT, PolyPhen-2, Align-GVGD) all suggest that this variant is likely to be disruptive. In summary, the available evidence is currently insufficient to determine the role of this variant in disease. Therefore, it has been classified as a Variant of Uncertain Significance.

Ambry Genetics
Classification: Uncertain significance for Hereditary cancer-predisposing syndrome. Last evaluated: 2022-03-14. Review status: criteria provided, single submitter. Criteria: Ambry Variant Classification Scheme 2023. Collection method: clinical testing. Allele origin: germline.
Comment: The p.L91Q variant (also known as c.272T>A), located in coding exon 2 of the CDKN2A gene, results from a T to A substitution at nucleotide position 272. The leucine at codon 91 is replaced by glutamine, an amino acid with dissimilar properties. This alteration was identified in an individual diagnosed with pancreatic cancer (Hu C et al. Cancer Epidemiol Biomarkers Prev, 2016 Jan;25:207-11). This amino acid position is well conserved in available vertebrate species. In addition, this alteration is predicted to be deleterious by in silico analysis. Since supporting evidence is limited at this time, the clinical significance of this alteration remains unclear.

Color Diagnostics, LLC DBA Color Health
Classification: Uncertain significance for Hereditary cancer-predisposing syndrome. Last evaluated: 2020-10-12. Review status: criteria provided, single submitter. Criteria: ACMG Guidelines, 2015. Collection method: clinical testing. Allele origin: germline.
Comment: This missense variant replaces leucine with glutamine at codon 91 of the CDKN2A (p16INK4A) protein. Computational prediction suggests that this variant may have deleterious impact on protein structure and function (internally defined REVEL score threshold >= 0.7, PMID: 27666373). To our knowledge, functional studies have not been reported for this variant. This variant has not been reported in individuals affected with hereditary cancer in the literature. This variant has not been identified in the general population by the Genome Aggregation Database (gnomAD). The available evidence is insufficient to determine the role of this variant in disease conclusively. Therefore, this variant is classified as a Variant of Uncertain Significance.

Quest Diagnostics Nichols Institute San Juan Capistrano
Classification: Uncertain significance. Last evaluated: 2018-08-01. Review status: criteria provided, single submitter. Criteria: Quest Diagnostics criteria. Collection method: clinical testing. Allele origin: germline.

Literature cited by the submitters: PubMed 26483394 (cited by Ambry Genetics).